The following is an entry in ClinVar:

NM_002230.4(JUP):c.274G>T (p.Gly92Cys)

Gene: JUP (junction plakoglobin; minus strand). Cytogenetic location: 17q21.2.
Variant type: single nucleotide variant.
Coding change: c.274G>T on transcript NM_002230.4 (MANE Select); coding-DNA position 274, G replaced by T.
Protein change: p.Gly92Cys; replaces glycine 92 with cysteine.
Molecular consequence: missense variant.
Genome position (GRCh38, 1-based): chr17:41,769,612, C>A on the plus strand (G>T on the coding strand, the complement: JUP is on the minus strand). VCF-style: chr17-41769612-C-A. GRCh37 (hg19) VCF-style: chr17-39925864-C-A.
Other names: c.274G>T, p.Gly92Cys (NM_001352773.2, NM_001352774.2, NM_001352775.2 and 3 more transcripts); short protein forms G92C.
Identifiers: ClinVar variation 449201 (VCV000449201.11), dbSNP rs781875765, ClinGen allele CA8565527.

ClinVar aggregate classification (germline): Uncertain significance. Review status: criteria provided, multiple submitters, no conflicts (2 of 4 stars). 4 submissions from 4 submitters: Uncertain significance (4). Last evaluated 2022-01-17.

Conditions:
Cardiovascular phenotype. Identifiers: MedGen CN230736.
Arrhythmogenic right ventricular dysplasia 12. Also called: ARRHYTHMOGENIC RIGHT VENTRICULAR DYSPLASIA, FAMILIAL, 12. Identifiers: MedGen C1969081, MONDO:0012684, OMIM 611528.
Naxos disease (NXD). Also called: WOOLLY HAIR, PALMOPLANTAR KERATODERMA, AND CARDIAC ABNORMALITIES; CARDIOMYOPATHY, ARRHYTHMOGENIC RIGHT VENTRICULAR, WITH SKIN, HAIR, AND NAIL ABNORMALITIES; KERATOSIS PALMOPLANTARIS WITH ARRHYTHMOGENIC CARDIOMYOPATHY; MAL DE NAXOS; PALMOPLANTAR KERATODERMA WITH ARRHYTHMOGENIC RIGHT VENTRICULAR CARDIOMYOPATHY AND WOOLLY HAIR. Identifiers: Orphanet 34217, MedGen C1832600, MONDO:0011017, OMIM 601214.

Allele frequency attached by ClinVar (database versions not stated): ExAC 0.00001; gnomAD exomes 0.00001 and 0.00004; gnomAD 0.00002; TOPMed 0.00002.
gnomAD v4.1: 56 of 1,605,652 alleles (0.0035%); highest among the groups gnomAD compares: Non-Finnish European, 0.0047%; no homozygotes.

Submissions (4):

Labcorp Genetics (formerly Invitae), Labcorp
Classification: Uncertain significance for Arrhythmogenic right ventricular dysplasia 12; Naxos disease. Last evaluated: 2022-01-17. Review status: criteria provided, single submitter. Criteria: Invitae Variant Classification Sherloc (09022015). Collection method: clinical testing. Allele origin: germline.
Comment: This sequence change replaces glycine, which is neutral and non-polar, with cysteine, which is neutral and slightly polar, at codon 92 of the JUP protein (p.Gly92Cys). The frequency data for this variant in the population databases is considered unreliable, as metrics indicate poor data quality at this position in the gnomAD database. This variant has not been reported in the literature in individuals affected with JUP-related conditions. ClinVar contains an entry for this variant (Variation ID: 449201). Algorithms developed to predict the effect of missense changes on protein structure and function are either unavailable or do not agree on the potential impact of this missense change (SIFT: "Deleterious"; PolyPhen-2: "Possibly Damaging"; Align-GVGD: "Class C0"). In summary, the available evidence is currently insufficient to determine the role of this variant in disease. Therefore, it has been classified as a Variant of Uncertain Significance.

Blueprint Genetics
Classification: Uncertain significance. Last evaluated: 2021-10-11. Review status: criteria provided, single submitter. Criteria: ACMG Guidelines, 2015. Collection method: clinical testing. Allele origin: germline.

Ambry Genetics
Classification: Uncertain significance for Cardiovascular phenotype. Last evaluated: 2017-05-25. Review status: criteria provided, single submitter. Criteria: Ambry Variant Classification Scheme 2023. Collection method: clinical testing. Allele origin: germline.
Comment: The p.G92C variant (also known as c.274G>T), located in coding exon 2 of the JUP gene, results from a G to T substitution at nucleotide position 274. The glycine at codon 92 is replaced by cysteine, an amino acid with highly dissimilar properties. This amino acid position is highly conserved in available vertebrate species. In addition, the in silico prediction for this alteration is inconclusive. Since supporting evidence is limited at this time, the clinical significance of this alteration remains unclear.

GeneDx
Classification: Uncertain significance. Last evaluated: 2016-05-11. Review status: criteria provided, single submitter. Criteria: GeneDx Variant Classification (06012015). Collection method: clinical testing. Allele origin: germline. Affected: yes.
Comment: A variant of uncertain significance has been identified in the JUP gene. The G92C variant has not been published as a pathogenic variant, nor has it been reported as a benign variant to our knowledge. The G92C variant was not observed in approximately 6,500 individuals of European and African American ancestry in an external variant database, indicating it is not a common benign variant in these populations. The G92C variant is a non-conservative amino acid substitution, which is likely to impact secondary protein structure as these residues differ in polarity, charge, size and/or other properties. Furthermore, in silico analysis predicts this variant is probably damaging to the protein structure/function. However, this substitution occurs at a position that is not conserved across species. Therefore, based on the currently available information, it is unclear whether this variant is pathogenic or rare benign.